The following is an entry in ClinVar:

NM_004371.4(COPA):c.2089A>G (p.Thr697Ala)

Gene: COPA (coat protein complex I subunit alpha; minus strand). Cytogenetic location: 1q23.2.
Variant type: single nucleotide variant.
Coding change: c.2089A>G on transcript NM_004371.4 (MANE Select); coding-DNA position 2089, A replaced by G.
Protein change: p.Thr697Ala; replaces threonine 697 with alanine.
Molecular consequence: missense variant.
Genome position (GRCh38, 1-based): chr1:160,297,634, T>C on the plus strand (A>G on the coding strand, the complement: COPA is on the minus strand). VCF-style: chr1-160297634-T-C. GRCh37 (hg19) VCF-style: chr1-160267424-T-C.
Other names: c.2116A>G, p.Thr706Ala (NM_001098398.2); short protein forms T706A, T697A.
Identifiers: ClinVar variation 2007656 (VCV002007656.4), dbSNP rs2525364201, ClinGen allele CA343279246.
Genomic context (GRCh38, chr1:160,297,634, plus strand): 5'-GAAGTTTTTCTAAGTTGCCAGTGATAAGATACAGGAAGGAAAGTTTGTCAAAGTTTTTGG[T>C]ACGCTGATAGCACATTTCCACAATCTGGTGGTTCCCCTGCAGCAGGGCCACTTCTCCCAG-3'
Protein context (NP_004362.2, residues 687-707): HQIVEMCYQR[Thr697Ala]KNFDKLSFLY

ClinVar aggregate classification (germline): Uncertain significance (1 of 4 stars; one submission).

Conditions:
Autoimmune interstitial lung disease-arthritis syndrome. Also called: Autoinflammation and autoimmunity, systemic, with immune dysregulation. Identifiers: Orphanet 444092, MedGen C5975714, MONDO:0014629.

Submission:

Labcorp Genetics (formerly Invitae), Labcorp
Classification: Uncertain significance for Autoimmune interstitial lung disease-arthritis syndrome. Last evaluated: 2022-06-17. Review status: criteria provided, single submitter. Criteria: Invitae Variant Classification Sherloc (09022015). Collection method: clinical testing. Allele origin: germline.
Comment: This sequence change replaces threonine, which is neutral and polar, with alanine, which is neutral and non-polar, at codon 697 of the COPA protein (p.Thr697Ala). This variant is not present in population databases (gnomAD no frequency). This variant has not been reported in the literature in individuals affected with COPA-related conditions. Advanced modeling of protein sequence and biophysical properties (such as structural, functional, and spatial information, amino acid conservation, physicochemical variation, residue mobility, and thermodynamic stability) performed at Invitae indicates that this missense variant is not expected to disrupt COPA protein function. In summary, the available evidence is currently insufficient to determine the role of this variant in disease. Therefore, it has been classified as a Variant of Uncertain Significance.